The following is an entry in ClinVar:

ClinVar aggregate classification (germline): Uncertain significance. Review status: criteria provided, multiple submitters, no conflicts (2 of 4 stars). 2 submissions from 2 submitters: Uncertain significance (2). Last evaluated 2026-05-15.

Conditions:
Hereditary cancer-predisposing syndrome. Also called: Tumor predisposition; Neoplastic Syndromes, Hereditary; Hereditary Cancer Syndrome; Hereditary neoplastic syndrome. Identifiers: Orphanet 140162, MedGen C0027672, MeSH D009386, MONDO:0015356.
Ataxia-telangiectasia syndrome (AT). Also called: ATAXIA-TELANGIECTASIA, COMPLEMENTATION GROUP A; ATAXIA-TELANGIECTASIA, FRESNO VARIANT; Ataxia-telangiectasia; Ataxia-telangiectasia, complementation group D; AT, COMPLEMENTATION GROUP C; Ataxia-telangiectasia, complementation group E. Identifiers: Orphanet 100, MedGen C0004135, MONDO:0008840, OMIM 208900.

Submissions (2):

Ambry Genetics
Classification: Uncertain significance for Hereditary cancer-predisposing syndrome. Last evaluated: 2026-05-15. Review status: criteria provided, single submitter. Criteria: Ambry Variant Classification Scheme 2023. Collection method: clinical testing. Allele origin: germline.
Comment: The p.E2157D variant (also known as c.6471G>C), located in coding exon 44 of the ATM gene, results from a G to C substitution at nucleotide position 6471. The glutamic acid at codon 2157 is replaced by aspartic acid, an amino acid with highly similar properties. In an assay testing ATM function, this variant showed a functionally normal result (Lee KS et al. Cell. 2025 Sep;188:5081-5099.e27). This amino acid position is highly conserved in available vertebrate species. In addition, the in silico prediction for this alteration is inconclusive. Based on the available evidence, the clinical significance of this variant remains unclear.

Labcorp Genetics (formerly Invitae), Labcorp
Classification: Uncertain significance for Ataxia-telangiectasia syndrome. Last evaluated: 2025-06-04. Review status: criteria provided, single submitter. Criteria: Invitae Variant Classification Sherloc (09022015). Collection method: clinical testing. Allele origin: germline.
Comment: This sequence change replaces glutamic acid, which is acidic and polar, with aspartic acid, which is acidic and polar, at codon 2157 of the ATM protein (p.Glu2157Asp). This variant is not present in population databases (gnomAD no frequency). This variant has not been reported in the literature in individuals affected with ATM-related conditions. ClinVar contains an entry for this variant (Variation ID: 847370). Invitae Evidence Modeling of protein sequence and biophysical properties (such as structural, functional, and spatial information, amino acid conservation, physicochemical variation, residue mobility, and thermodynamic stability) indicates that this missense variant is not expected to disrupt ATM protein function with a negative predictive value of 95%. In summary, the available evidence is currently insufficient to determine the role of this variant in disease. Therefore, it has been classified as a Variant of Uncertain Significance.

Literature cited by the submitters: PubMed 40580951 (cited by Ambry Genetics).

NM_000051.4(ATM):c.6471G>C (p.Glu2157Asp)

Genes: ATM (ATM serine/threonine kinase; plus strand), C11orf65 (chromosome 11 open reading frame 65; minus strand). Cytogenetic location: 11q22.3.
Variant type: single nucleotide variant.
Coding change: c.6471G>C on transcript NM_000051.4 (MANE Select); coding-DNA position 6471, G replaced by C.
Protein change: p.Glu2157Asp; replaces glutamic acid 2157 with aspartic acid.
Molecular consequence: missense variant. On other transcripts: intron variant (2).
Genome position (GRCh38, 1-based): chr11:108,321,319, G>C. VCF-style: chr11-108321319-G-C. GRCh37 (hg19) VCF-style: chr11-108192046-G-C.
Other names: c.641-12248C>G (NM_001330368.2); c.*39-12248C>G (NM_001351110.2); c.6471G>C, p.Glu2157Asp (NM_001351834.2); short protein forms E2157D.
Identifiers: ClinVar variation 847370 (VCV000847370.11), dbSNP rs1555117097, ClinGen allele CA382553900.